The following is an entry in ClinVar:

NM_017849.4(TMEM127):c.596A>T (p.Tyr199Phe)

Gene: TMEM127 (transmembrane protein 127; minus strand). Cytogenetic location: 2q11.2.
Variant type: single nucleotide variant.
Coding change: c.596A>T on transcript NM_017849.4 (MANE Select); coding-DNA position 596, A replaced by T.
Protein change: p.Tyr199Phe; replaces tyrosine 199 with phenylalanine.
Molecular consequence: missense variant.
Genome position (GRCh38, 1-based): chr2:96,253,929, T>A on the plus strand (A>T on the coding strand, the complement: TMEM127 is on the minus strand). VCF-style: chr2-96253929-T-A. GRCh37 (hg19) VCF-style: chr2-96919667-T-A.
Other names: c.596A>T, p.Tyr199Phe (NM_001193304.3); short protein forms Y199F.
Identifiers: ClinVar variation 1387744 (VCV001387744.10), dbSNP rs1573969106, ClinGen allele CA347652057.

ClinVar aggregate classification (germline): Uncertain significance. Review status: criteria provided, multiple submitters, no conflicts (2 of 4 stars). 2 submissions from 2 submitters: Uncertain significance (2). Last evaluated 2023-09-01.

Conditions:
Hereditary pheochromocytoma and paraganglioma. Also called: Hereditary paragangliomas and pheochromocytomas; Hereditary Paraganglioma-Pheochromocytoma Syndromes; Hereditary pheochromocytoma-paraganglioma. Identifiers: Orphanet 29072, MedGen C4274332, MONDO:0017366.
Hereditary cancer-predisposing syndrome. Also called: Tumor predisposition; Hereditary Cancer Syndrome; Hereditary neoplastic syndrome; Neoplastic Syndromes, Hereditary. Identifiers: Orphanet 140162, MedGen C0027672, MeSH D009386, MONDO:0015356.

Submissions (2):

Labcorp Genetics (formerly Invitae), Labcorp
Classification: Uncertain significance for Hereditary pheochromocytoma and paraganglioma. Last evaluated: 2023-09-01. Review status: criteria provided, single submitter. Criteria: Invitae Variant Classification Sherloc (09022015). Collection method: clinical testing. Allele origin: germline.
Comment: This sequence change replaces tyrosine, which is neutral and polar, with phenylalanine, which is neutral and non-polar, at codon 199 of the TMEM127 protein (p.Tyr199Phe). This variant is not present in population databases (gnomAD no frequency). This variant has not been reported in the literature in individuals affected with TMEM127-related conditions. ClinVar contains an entry for this variant (Variation ID: 1387744). An algorithm developed to predict the effect of missense changes on protein structure and function (PolyPhen-2) suggests that this variant is likely to be disruptive. In summary, the available evidence is currently insufficient to determine the role of this variant in disease. Therefore, it has been classified as a Variant of Uncertain Significance.

Ambry Genetics
Classification: Uncertain significance for Hereditary cancer-predisposing syndrome. Last evaluated: 2022-06-11. Review status: criteria provided, single submitter. Criteria: Ambry Variant Classification Scheme 2023. Collection method: clinical testing. Allele origin: germline.
Comment: The p.Y199F variant (also known as c.596A>T), located in coding exon 3 of the TMEM127 gene, results from an A to T substitution at nucleotide position 596. The tyrosine at codon 199 is replaced by phenylalanine, an amino acid with highly similar properties. This amino acid position is conserved. In addition, this alteration is predicted to be deleterious by in silico analysis. Since supporting evidence is limited at this time, the clinical significance of this alteration remains unclear.